The following is an entry in ClinVar:

ClinVar aggregate classification (germline): Uncertain significance (1 of 4 stars; one submission).

Submission:

Labcorp Genetics (formerly Invitae), Labcorp
Classification: Uncertain significance. Last evaluated: 2023-05-08. Review status: criteria provided, single submitter. Criteria: Invitae Variant Classification Sherloc (09022015). Collection method: clinical testing. Allele origin: germline.
Comment: This sequence change replaces isoleucine, which is neutral and non-polar, with threonine, which is neutral and polar, at codon 136 of the TEAD1 protein (p.Ile136Thr). This variant is not present in population databases (gnomAD no frequency). This variant has not been reported in the literature in individuals affected with TEAD1-related conditions. ClinVar contains an entry for this variant (Variation ID: 2104814). Advanced modeling of protein sequence and biophysical properties (such as structural, functional, and spatial information, amino acid conservation, physicochemical variation, residue mobility, and thermodynamic stability) performed at Invitae indicates that this missense variant is not expected to disrupt TEAD1 protein function. In summary, the available evidence is currently insufficient to determine the role of this variant in disease. Therefore, it has been classified as a Variant of Uncertain Significance.

NM_021961.6(TEAD1):c.407T>C (p.Ile136Thr)

Gene: TEAD1 (TEA domain transcription factor 1; plus strand). Cytogenetic location: 11p15.3.
Variant type: single nucleotide variant.
Coding change: c.407T>C on transcript NM_021961.6 (MANE Select); coding-DNA position 407, T replaced by C.
Protein change: p.Ile136Thr; replaces isoleucine 136 with threonine.
Molecular consequence: missense variant.
Genome position (GRCh38, 1-based): chr11:12,879,784, T>C. VCF-style: chr11-12879784-T-C. GRCh37 (hg19) VCF-style: chr11-12901331-T-C.
Other names: short protein forms I136T.
Identifiers: ClinVar variation 2104814 (VCV002104814.4), dbSNP rs760239984, ClinGen allele CA379711874.